The following is an entry in ClinVar:

NM_007078.3(LDB3):c.2094+10T>C

Gene: LDB3 (LIM domain binding 3; plus strand). Cytogenetic location: 10q23.2.
Variant type: single nucleotide variant.
Coding change: c.2094+10T>C on transcript NM_007078.3 (MANE Select); 10 bases into the intron after coding-DNA position 2094, T replaced by C.
Molecular consequence: intron variant.
Genome position (GRCh38, 1-based): chr10:86,726,262, T>C. VCF-style: chr10-86726262-T-C. GRCh37 (hg19) VCF-style: chr10-88486019-T-C.
Other names: c.2094+10T>C (LRG_385t1); c.1905+10T>C (NM_001368064.1, NM_001368065.1); c.2109+10T>C (NM_001171610.2); c.1953+10T>C (NM_001368066.1); c.1764+10T>C (NM_001080114.2).
Identifiers: ClinVar variation 512907 (VCV000512907.4), dbSNP rs769802374, ClinGen allele CA5585312.

ClinVar aggregate classification (germline): Conflicting classifications of pathogenicity. Review status: criteria provided, conflicting classifications (1 of 4 stars). 2 submissions from 2 submitters: Uncertain significance (1); Likely benign (1). Last evaluated 2025-03-05.

Conditions:
Myofibrillar myopathy 4. Also called: Zaspopathy (type). Identifiers: Orphanet 98912, MedGen C4721886, MONDO:0012277, OMIM 609452.

Allele frequency attached by ClinVar (database versions not stated): TOPMed below 0.00001; gnomAD 0.00001; gnomAD exomes 0.00001; ExAC 0.00002.
gnomAD v4.1: 4 of 1,609,348 alleles (0.00025%); highest among the groups gnomAD compares: African/African-American, 0.0013%; no homozygotes.

Submissions (2):

Labcorp Genetics (formerly Invitae), Labcorp
Classification: Uncertain significance for Myofibrillar myopathy 4. Last evaluated: 2025-03-05. Review status: criteria provided, single submitter. Criteria: Invitae Variant Classification Sherloc (09022015). Collection method: clinical testing. Allele origin: germline.
Comment: The LDB3 gene has multiple clinically relevant transcripts. This variant occurs in alternate transcript NM_007078.3, and corresponds to NM_001080116.1:c.*26888T>C in the primary transcript. This sequence change falls in intron 13 of the LDB3 gene. It does not directly change the encoded amino acid sequence of the LDB3 protein. This variant is present in population databases (rs769802374, gnomAD 0.007%). This variant has not been reported in the literature in individuals affected with LDB3-related conditions. Experimental studies and prediction algorithms are not available or were not evaluated, and the effect of this variant on mRNA splicing is currently unknown. In summary, the available evidence is currently insufficient to determine the role of this variant in disease. Therefore, it has been classified as a Variant of Uncertain Significance.

GeneDx
Classification: Likely benign. Last evaluated: 2017-10-25. Review status: criteria provided, single submitter. Criteria: GeneDx Variant Classification (06012015). Collection method: clinical testing. Allele origin: germline. Affected: yes.
Comment: This variant is considered likely benign or benign based on one or more of the following criteria: it is a conservative change, it occurs at a poorly conserved position in the protein, it is predicted to be benign by multiple in silico algorithms, and/or has population frequency not consistent with disease.